The following is an entry in ClinVar:

NM_198586.3(NHLRC1):c.205C>G (p.Pro69Ala)

Gene: NHLRC1 (NHL repeat containing E3 ubiquitin protein ligase 1; minus strand). Cytogenetic location: 6p22.3.
Variant type: single nucleotide variant.
Coding change: c.205C>G on transcript NM_198586.3 (MANE Select); coding-DNA position 205, C replaced by G.
Protein change: p.Pro69Ala; replaces proline 69 with alanine.
Molecular consequence: missense variant.
Genome position (GRCh38, 1-based): chr6:18,122,402, G>C on the plus strand (C>G on the coding strand, the complement: NHLRC1 is on the minus strand). VCF-style: chr6-18122402-G-C. GRCh37 (hg19) VCF-style: chr6-18122633-G-C.
Other names: p.P69A:CCA>GCA; short protein forms P69A.
Identifiers: ClinVar variation 2587 (VCV000002587.32), dbSNP rs28940576, ClinGen allele CA115629.
Genomic context (GRCh38, chr6:18,122,402, plus strand): 5'-GGTGCAGCACCGGCAGGCAGTCGCTGGTGTCGCAGCCCCGGCAAGCTCGCCTGCAGAATG[G>C]GCACTCGAGGGCCAGAGTGCGCGGGTGCGCCAGGGCGGCCACGCAGGCCAGGCAGACCAC-3'
Protein context (NP_940988.2, residues 59-79): AHPRTLALEC[Pro69Ala]FCRRACRGCD

ClinVar aggregate classification (germline): Pathogenic. Review status: criteria provided, multiple submitters, no conflicts (2 of 4 stars). 11 submissions from 11 submitters: Pathogenic (8). 3 of the submissions do not count toward it. Last evaluated 2026-04-01.

Conditions:
Myoclonic epilepsy of Lafora 1 (MELF1). Also called: EPM2A-Related Lafora Disease; Epilepsy, progressive myoclonic 2A (Lafora); EPILEPSY, PROGRESSIVE MYOCLONIC, 2A; LAFORA DISEASE 1. Identifiers: MedGen CN377204, MONDO:0958199, OMIM 254780.
NHLRC1-related disorder. Also called: NHLRC1-related condition.
Lafora disease. Also called: Epilepsy progressive myoclonic 2; Progressive Myoclonus Epilepsy, Lafora Type. Identifiers: Orphanet 501, MedGen C0751783, MONDO:0009697.
Myoclonic epilepsy of Lafora 2. Also called: LAFORA DISEASE 2; Epilepsy, progressive myoclonic 2B (Lafora); EPILEPSY, PROGRESSIVE MYOCLONIC, 2B; NHLRC1-Related Lafora Disease. Identifiers: MedGen C1850764, MONDO:0800306, OMIM 620681.

Allele frequency attached by ClinVar (database versions not stated): gnomAD 0.00008 and 0.00009; TOPMed 0.00005; gnomAD exomes 0.00011 and 0.00013; ExAC 0.00011.

Submissions (11):

CeGaT Center for Human Genetics Tuebingen
Classification: Pathogenic. Last evaluated: 2026-04-01. Review status: criteria provided, single submitter. Criteria: CeGaT Center For Human Genetics Tuebingen Variant Classification Criteria Version 2. Collection method: clinical testing. Allele origin: germline. Affected: yes. Observed: 1 variant allele.
Comment: NHLRC1: PM3:Very Strong, PM2:Supporting, PP3, PS3:Supporting

Labcorp Genetics (formerly Invitae), Labcorp
Classification: Pathogenic for Lafora disease. Last evaluated: 2025-10-09. Review status: criteria provided, single submitter. Criteria: Invitae Variant Classification Sherloc (09022015). Collection method: clinical testing. Allele origin: germline.
Comment: This sequence change replaces proline, which is neutral and non-polar, with alanine, which is neutral and non-polar, at codon 69 of the NHLRC1 protein (p.Pro69Ala). This variant is present in population databases (rs28940576, gnomAD 0.02%). This missense change has been observed in individuals with Lafora disease (PMID: 12958597, 16529633, 18256682, 19744044, 21505799, 22815132). ClinVar contains an entry for this variant (Variation ID: 2587). Invitae Evidence Modeling of protein sequence and biophysical properties (such as structural, functional, and spatial information, amino acid conservation, physicochemical variation, residue mobility, and thermodynamic stability) indicates that this missense variant is expected to disrupt NHLRC1 protein function with a positive predictive value of 95%. Experimental studies have shown that this missense change affects NHLRC1 function (PMID: 15930137, 18029386, 21505799). For these reasons, this variant has been classified as Pathogenic.

Dasa
Classification: Pathogenic. Last evaluated: 2025-05-29. Review status: criteria provided, single submitter. Criteria: DASA Assertion Criteria. Collection method: clinical testing. Allele origin: germline.
Comment: NM_198586.3(NHLRC1):c.205C>G (p.Pro69Ala) is a missense variant that results in the substitution of proline with alanine. Segregation evidence has been reported in affected families. This variant has been observed in affected individuals with related phenotype in a genotype context consistent with recessive disease (PMID: 12958597; PMID: 16529633; PMID: 18256682; PMID: 19744044; PMID: 21505799). Functional evidence supports a deleterious effect on the gene or gene product (PMID: 12958597; PMID: 16529633; PMID: 18256682; PMID: 19744044; PMID: 21505799). This variant has been recurrently observed in individuals with related phenotype (PMID: 12958597; PMID: 16529633; PMID: 18256682; PMID: 19744044; PMID: 21505799). Multiple computational predictions support a deleterious effect on the gene or gene product. The variant is present at low frequency in population datasets. Based on the available data, this variant is classified as pathogenic.

Revvity Omics, Revvity
Classification: Pathogenic for Myoclonic epilepsy of Lafora 1. Last evaluated: 2024-06-18. Review status: criteria provided, single submitter. Criteria: ACMG Guidelines, 2015. Collection method: clinical testing. Allele origin: germline.

Blueprint Genetics
Classification: Pathogenic for NHLRC1-related disorders. Last evaluated: 2024-06-13. Review status: criteria provided, single submitter. Criteria: ACMG Guidelines, 2015. Collection method: clinical testing. Allele origin: germline. Affected: yes. Observed: 5 variant alleles.

GeneDx
Classification: Pathogenic. Last evaluated: 2024-04-12. Review status: criteria provided, single submitter. Criteria: GeneDx Variant Classification Process June 2021. Collection method: clinical testing. Allele origin: germline. Affected: yes.
Comment: Affects the RING finger domain and reported as the most common pathogenic variant observed in the NHLRC1 gene (PMID: 16311711); Published functional studies of P69A demonstrate impairment of malin's interaction with laforin resulting in abnormal accumulation of intracellular glycogen (PMID: 15930137, 18029386, 21505799); In silico analysis supports that this missense variant has a deleterious effect on protein structure/function; This variant is associated with the following publications: (PMID: 21505799, 28556688, 18029386, 15930137, 12958597, 20738377, 16134145, 19744044, 18256682, 15781812, 16529633, 20301563, 29431110, 33773408, 31589614, 31440721, 31758957, 31858178, 25270369, 31227012, 36638890, 33368637, 16311711, 35184210, 36210672)

Department of Pathology and Laboratory Medicine, Sinai Health System
Classification: Pathogenic for Myoclonic epilepsy of Lafora 2. Last evaluated: 2021-10-21. Review status: criteria provided, single submitter. Criteria: ACMG Guidelines, 2015. Collection method: research. Allele origin: germline.

Athena Diagnostics
Classification: Pathogenic. Last evaluated: 2020-01-22. Review status: criteria provided, single submitter. Criteria: Athena Diagnostics Criteria. Collection method: clinical testing. Allele origin: unknown.
Comment: The frequency of this variant in the general population is consistent with pathogenicity. Found in at least one patient with expected phenotype for this gene. Predicted to have a damaging effect on the protein. Located in potentially critical domain of the protein. In multiple individuals, this variant has been seen with a single recessive pathogenic variant in the same gene, suggesting this variant may also be pathogenic. Assessment of experimental evidence suggests this variant results in abnormal protein function.

PreventionGenetics, part of Exact Sciences
Classification: Pathogenic for NHLRC1-related condition. Last evaluated: 2023-12-20. Review status: no assertion criteria provided. Collection method: clinical testing. Allele origin: germline. Not counted in ClinVar's aggregate classification.
Comment: The NHLRC1 c.205C>G variant is predicted to result in the amino acid substitution p.Pro69Ala. This variant has been reported in the homozygous and compound heterozygous states in multiple individuals with Lafora disease (Chan et al. 2003. PubMed ID: 12958597; Franceschetti et al. 2006. PubMed ID: 16529633; Romá-Mateo et al. 2012. PubMed ID: 22815132). Functional studies showed this variant is detrimental and leads to intracellular glycogen accumulation (Gentry et al. 2005. PubMed ID: 15930137; Couarch et al. 2011. PubMed ID: 21505799). This variant is reported in 0.019% of alleles in individuals of European (Non-Finnish) descent in gnomAD. This variant is interpreted as pathogenic.

OMIM
Classification: Pathogenic for MYOCLONIC EPILEPSY OF LAFORA 2. Last evaluated: 2005-03-22. Review status: no assertion criteria provided. Collection method: literature only. Allele origin: germline. Not counted in ClinVar's aggregate classification.

GeneReviews
No classification provided. Condition: Lafora disease. Review status: no classification provided. Collection method: literature only. Allele origin: germline. Not counted in ClinVar's aggregate classification.

Literature cited by the submitters: PubMed 12958597 (cited by 4 submitters); PubMed 16529633 (cited by 4 submitters); PubMed 18256682 (cited by 3 submitters); PubMed 19744044 (cited by 3 submitters); PubMed 21505799 (cited by 3 submitters); PubMed 22815132 (cited by Labcorp Genetics (formerly Invitae), Labcorp and Dasa); PubMed 15930137 (cited by 3 submitters); PubMed 18029386 (cited by 3 submitters); PubMed 31858178 (cited by Athena Diagnostics); PubMed 15781812 (cited by 3 submitters); PubMed 25270369 (cited by Athena Diagnostics); PubMed 31227012 (cited by Athena Diagnostics); PubMed 31758957 (cited by Athena Diagnostics); PubMed 20738377 (cited by Athena Diagnostics and GeneReviews); PubMed 28556688 (cited by Athena Diagnostics); PubMed 29431110 (cited by Athena Diagnostics); NCBI Bookshelf NBK1389 (cited by GeneReviews); PubMed 12960212 (cited by GeneReviews); PubMed 16311711 (cited by GeneReviews).